The following is an entry in ClinVar:

NM_001330288.2(SMARCC2):c.111+2T>C

Genes: SMARCC2 (SWI/SNF related, matrix associated, actin dependent regulator of chromatin subfamily c member 2; minus strand), LOC130008058 (ATAC-STARR-seq lymphoblastoid silent region 4548; plus strand). Cytogenetic location: 12q13.2.
Variant type: single nucleotide variant.
Coding change: c.111+2T>C on transcript NM_001330288.2 (MANE Select); the canonical splice donor site of the intron after coding-DNA position 111, T replaced by C.
Molecular consequence: splice donor variant.
Genome position (GRCh38, 1-based): chr12:56,189,349, A>G on the plus strand (T>C on the coding strand, the complement: SMARCC2 is on the minus strand). VCF-style: chr12-56189349-A-G. GRCh37 (hg19) VCF-style: chr12-56583133-A-G.
Other names: c.111+2T>C (NM_003075.5, NM_139067.4, NM_001130420.3).
Identifiers: ClinVar variation 1696500 (VCV001696500.1), dbSNP rs892217209, ClinGen allele CA385268160.

ClinVar aggregate classification (germline): Uncertain significance (1 of 4 stars; one submission).

Conditions:
Coffin-Siris syndrome 8. Identifiers: MedGen C5193054, MONDO:0032702, OMIM 618362.

Submission:

New York Genome Center
Classification: Uncertain significance for Coffin-Siris syndrome 8. Last evaluated: 2021-07-02. Review status: criteria provided, single submitter. Criteria: NYGC Assertion Criteria 2020. Collection method: clinical testing. Allele origin: inherited. Observed: 1 heterozygote. Study: CSER-NYCKidSeq.
Comment: The inherited c.111+2T>C variant identified in the SMARCC2 gene is a canonical splice variant within intron 1/28. This variant is absent from gnomAD(v3.1.1) and gnomAD(v2.1.1) suggesting it is not a common benign variant in the populations represented in that database. In silico algorithm SpliceAI suggests there is a very low probability of an alteration to splicing (delta score 0.05), and the Transcript inferred Pathogenicity Score for this variant is 0.826 (>99.9%score-percentile) suggesting this variant is probably damaging to splicing. This variant is absent from ClinVar and to our current knowledge has not been reported in affected individuals in the literature. The inherited c.111+2T>C variant identified in the SMARCC2 gene is reported as a Variant of Uncertain Significance.